The following is an entry in ClinVar:

NM_006514.4(SCN10A):c.5020G>A (p.Gly1674Arg)

Gene: SCN10A (sodium voltage-gated channel alpha subunit 10; minus strand). Cytogenetic location: 3p22.2.
Variant type: single nucleotide variant.
Coding change: c.5020G>A on transcript NM_006514.4 (MANE Select); coding-DNA position 5020, G replaced by A.
Protein change: p.Gly1674Arg; replaces glycine 1674 with arginine.
Molecular consequence: missense variant.
Genome position (GRCh38, 1-based): chr3:38,698,200, C>T on the plus strand (G>A on the coding strand, the complement: SCN10A is on the minus strand). VCF-style: chr3-38698200-C-T. GRCh37 (hg19) VCF-style: chr3-38739691-C-T.
Other names: c.5017G>A, p.Gly1673Arg (NM_001293306.2); c.4726G>A, p.Gly1576Arg (NM_001293307.2); short protein forms G1576R, G1674R, G1673R.
Identifiers: ClinVar variation 3438083 (VCV003438083.1).

ClinVar aggregate classification (germline): Uncertain significance (1 of 4 stars; one submission).

Conditions:
Cardiovascular phenotype. Identifiers: MedGen CN230736.

Submission:

Ambry Genetics
Classification: Uncertain significance for Cardiovascular phenotype. Last evaluated: 2024-09-24. Review status: criteria provided, single submitter. Criteria: Ambry Variant Classification Scheme 2023. Collection method: clinical testing. Allele origin: germline.
Comment: The p.G1674R variant (also known as c.5020G>A), located in coding exon 27 of the SCN10A gene, results from a G to A substitution at nucleotide position 5020. The glycine at codon 1674 is replaced by arginine, an amino acid with dissimilar properties. This amino acid position is conserved. In addition, the in silico prediction for this alteration is inconclusive. Based on the available evidence, the clinical significance of this variant remains unclear.